The following is an entry in ClinVar:

ClinVar aggregate classification (germline): Uncertain significance. Review status: criteria provided, multiple submitters, no conflicts (2 of 4 stars). 2 submissions from 2 submitters: Uncertain significance (2). Last evaluated 2022-10-25.

Allele frequency attached by ClinVar (database versions not stated): ExAC 0.00001; gnomAD 0.00001; gnomAD exomes 0.00001; TOPMed 0.00001.
gnomAD v4.1: 11 of 1,613,062 alleles (0.00068%); highest among the groups gnomAD compares: South Asian, 0.0055%; no homozygotes.

Submissions (2):

Labcorp Genetics (formerly Invitae), Labcorp
Classification: Uncertain significance. Last evaluated: 2022-10-25. Review status: criteria provided, single submitter. Criteria: Invitae Variant Classification Sherloc (09022015). Collection method: clinical testing. Allele origin: germline.
Comment: This sequence change replaces arginine, which is basic and polar, with histidine, which is basic and polar, at codon 242 of the WHRN protein (p.Arg242His). The frequency data for this variant in the population databases is considered unreliable, as metrics indicate poor data quality at this position in the gnomAD database. This variant has not been reported in the literature in individuals affected with WHRN-related conditions. ClinVar contains an entry for this variant (Variation ID: 179786). Algorithms developed to predict the effect of missense changes on protein structure and function are either unavailable or do not agree on the potential impact of this missense change (SIFT: "Deleterious"; PolyPhen-2: "Benign"; Align-GVGD: "Class C25"). In summary, the available evidence is currently insufficient to determine the role of this variant in disease. Therefore, it has been classified as a Variant of Uncertain Significance.

Laboratory for Molecular Medicine, Mass General Brigham Personalized Medicine
Classification: Uncertain significance. Last evaluated: 2014-06-21. Review status: criteria provided, single submitter. Criteria: LMM Criteria. Collection method: clinical testing. Allele origin: germline. Observed: 1 variant allele.
Comment: The Arg242His variant in DFNB31has not been previously reported in individuals w ith hearing loss and was absent from large population studies. Computational pre diction tools and conservation analysis suggest that the Arg242His variant may n ot impact the protein, though this information is not predictive enough to rule out pathogenicity. In summary, the clinical significance of the Arg242His varia nt is uncertain.

NM_015404.4(WHRN):c.725G>A (p.Arg242His)

Gene: WHRN (whirlin; minus strand). Cytogenetic location: 9q32.
Variant type: single nucleotide variant.
Coding change: c.725G>A on transcript NM_015404.4 (MANE Select); coding-DNA position 725, G replaced by A.
Protein change: p.Arg242His; replaces arginine 242 with histidine.
Molecular consequence: missense variant. On other transcripts: 5 prime UTR variant (1).
Genome position (GRCh38, 1-based): chr9:114,478,665, C>T on the plus strand (G>A on the coding strand, the complement: WHRN is on the minus strand). VCF-style: chr9-114478665-C-T. GRCh37 (hg19) VCF-style: chr9-117240945-C-T.
Other names: c.-425G>A (NM_001083885.3); c.725G>A, p.Arg242His (NM_001173425.2); short protein forms R242H.
Identifiers: ClinVar variation 179786 (VCV000179786.8), dbSNP rs727505127, ClinGen allele CA185130.